The following is an entry in ClinVar:

ClinVar aggregate classification (germline): Uncertain significance. Review status: criteria provided, multiple submitters, no conflicts (2 of 4 stars). 3 submissions from 3 submitters: Uncertain significance (3). Last evaluated 2025-04-07.

Conditions:
Inborn genetic diseases. Identifiers: MedGen C0950123, MeSH D030342.

Allele frequency attached by ClinVar (database versions not stated): gnomAD 0.00003; TOPMed 0.00003.
gnomAD v4.1: 69 of 1,551,266 alleles (0.0044%); highest among the groups gnomAD compares: Middle Eastern, 0.033%; no homozygotes.

Submissions (3):

Ambry Genetics
Classification: Uncertain significance for Inborn genetic diseases. Last evaluated: 2025-04-07. Review status: criteria provided, single submitter. Criteria: Ambry Variant Classification Scheme 2023. Collection method: clinical testing. Allele origin: germline.

Blueprint Genetics
Classification: Uncertain significance. Last evaluated: 2022-12-20. Review status: criteria provided, single submitter. Criteria: ACMG Guidelines, 2015. Collection method: clinical testing. Allele origin: germline.

Labcorp Genetics (formerly Invitae), Labcorp
Classification: Uncertain significance. Last evaluated: 2022-10-13. Review status: criteria provided, single submitter. Criteria: Invitae Variant Classification Sherloc (09022015). Collection method: clinical testing. Allele origin: germline.
Comment: This sequence change replaces glutamic acid, which is acidic and polar, with lysine, which is basic and polar, at codon 1786 of the EYS protein (p.Glu1786Lys). This variant is present in population databases (no rsID available, gnomAD 0.004%). This variant has not been reported in the literature in individuals affected with EYS-related conditions. Algorithms developed to predict the effect of missense changes on protein structure and function output the following: SIFT: "Tolerated"; PolyPhen-2: "Possibly Damaging"; Align-GVGD: "Class C0". The lysine amino acid residue is found in multiple mammalian species, which suggests that this missense change does not adversely affect protein function. In summary, the available evidence is currently insufficient to determine the role of this variant in disease. Therefore, it has been classified as a Variant of Uncertain Significance.

NM_001142800.2(EYS):c.5356G>A (p.Glu1786Lys)

Gene: EYS (EGF-like photoreceptor maintenance factor; minus strand). Cytogenetic location: 6q12.
Variant type: single nucleotide variant.
Coding change: c.5356G>A on transcript NM_001142800.2 (MANE Select); coding-DNA position 5356, G replaced by A.
Protein change: p.Glu1786Lys; replaces glutamic acid 1786 with lysine.
Molecular consequence: missense variant.
Genome position (GRCh38, 1-based): chr6:64,590,511, C>T on the plus strand (G>A on the coding strand, the complement: EYS is on the minus strand). VCF-style: chr6-64590511-C-T. GRCh37 (hg19) VCF-style: chr6-65300404-C-T.
Other names: c.5356G>A, p.Glu1786Lys (NM_001292009.2); short protein forms E1786K.
Identifiers: ClinVar variation 2066746 (VCV002066746.4), dbSNP rs1262791683, ClinGen allele CA364781280.